The following is an entry in ClinVar:

NM_020884.7(MYH7B):c.1865C>T (p.Ala622Val)

Gene: MYH7B (myosin heavy chain 7B; plus strand). Cytogenetic location: 20q11.22.
Variant type: single nucleotide variant.
Coding change: c.1865C>T on transcript NM_020884.7 (MANE Select); coding-DNA position 1865, C replaced by T.
Protein change: p.Ala622Val; replaces alanine 622 with valine.
Molecular consequence: missense variant.
Genome position (GRCh38, 1-based): chr20:34,990,111, C>T. VCF-style: chr20-34990111-C-T. GRCh37 (hg19) VCF-style: chr20-33577914-C-T.
Other names: short protein forms A622V.
Identifiers: ClinVar variation 3672653 (VCV003672653.2).
Genomic context (GRCh38, chr20:34,990,111, plus strand): 5'-AGGATCCCCTGAATGAGACCGTGGTCCCCATCTTCCAGAAGTCACAGAATAGGCTCCTGG[C>T]GACTCTCTATGAGAATTATGCGGGCTCCTGCTCCAGTGAGTATGGAGGGACAAGATCTCC-3'
Protein context (NP_065935.4, residues 612-632): IFQKSQNRLL[Ala622Val]TLYENYAGSC

ClinVar aggregate classification (germline): Uncertain significance (1 of 4 stars; one submission).

gnomAD v4.1: 57 of 1,614,094 alleles (0.0035%); highest among the groups gnomAD compares: South Asian, 0.029%; no homozygotes.

Submission:

Labcorp Genetics (formerly Invitae), Labcorp
Classification: Uncertain significance. Last evaluated: 2026-01-05. Review status: criteria provided, single submitter. Criteria: Invitae Variant Classification Sherloc (09022015). Collection method: clinical testing. Allele origin: germline.
Comment: This sequence change replaces alanine, which is neutral and non-polar, with valine, which is neutral and non-polar, at codon 664 of the MYH7B protein (p.Ala664Val). This variant is present in population databases (rs558187887, gnomAD 0.02%). This variant has not been reported in the literature in individuals affected with MYH7B-related conditions. ClinVar contains an entry for this variant (Variation ID: 3672653). Invitae Evidence Modeling of protein sequence and biophysical properties (such as structural, functional, and spatial information, amino acid conservation, physicochemical variation, residue mobility, and thermodynamic stability) indicates that this missense variant is not expected to disrupt MYH7B protein function with a negative predictive value of 80%. In summary, the available evidence is currently insufficient to determine the role of this variant in disease. Therefore, it has been classified as a Variant of Uncertain Significance.